The following is an entry in ClinVar:

NM_004646.4(NPHS1):c.2996C>T (p.Thr999Met)

Gene: NPHS1 (NPHS1 adhesion molecule, nephrin; minus strand). Cytogenetic location: 19q13.12.
Variant type: single nucleotide variant.
Coding change: c.2996C>T on transcript NM_004646.4 (MANE Select); coding-DNA position 2996, C replaced by T.
Protein change: p.Thr999Met; replaces threonine 999 with methionine.
Molecular consequence: missense variant.
Genome position (GRCh38, 1-based): chr19:35,839,350, G>A on the plus strand (C>T on the coding strand, the complement: NPHS1 is on the minus strand). VCF-style: chr19-35839350-G-A. GRCh37 (hg19) VCF-style: chr19-36330252-G-A.
Other names: short protein forms T999M.
Identifiers: ClinVar variation 1509053 (VCV001509053.6), dbSNP rs767424724, ClinGen allele CA9389954.
Genomic context (GRCh38, chr19:35,839,350, plus strand): 5'-AAGGCATTACTGGCCAGCAGCCAGACCCTGTATCTTGTAGAAGGCTGTAGACCAGTCAGC[G>A]TGAAGGTGGTGGCCTGGGGTGGTACGACATCCACATAGTGGAACCCTGGAGTCCCCAGGG-3'
Protein context (NP_004637.1, residues 989-1009): DVVPPQATTF[Thr999Met]LTGLQPSTRY

ClinVar aggregate classification (germline): Uncertain significance. Review status: criteria provided, multiple submitters, no conflicts (2 of 4 stars). 2 submissions from 2 submitters: Uncertain significance (2). Last evaluated 2022-03-01.

Conditions:
Finnish congenital nephrotic syndrome (NPHS1). Also called: NEPHROTIC SYNDROME, TYPE 1. Identifiers: Orphanet 839, MedGen C0403399, MONDO:0009732, OMIM 256300.

Allele frequency attached by ClinVar (database versions not stated): gnomAD exomes 0.00002 and 0.00004; ExAC 0.00003.
gnomAD v4.1: 32 of 1,614,076 alleles (0.002%); highest among the groups gnomAD compares: Admixed American, 0.018%; no homozygotes.

Submissions (2):

Fulgent Genetics
Classification: Uncertain significance for Finnish congenital nephrotic syndrome. Last evaluated: 2022-03-01. Review status: criteria provided, single submitter. Criteria: ACMG Guidelines, 2015. Collection method: clinical testing. Allele origin: unknown.

Labcorp Genetics (formerly Invitae), Labcorp
Classification: Uncertain significance. Last evaluated: 2021-10-14. Review status: criteria provided, single submitter. Criteria: Invitae Variant Classification Sherloc (09022015). Collection method: clinical testing. Allele origin: germline.
Comment: This sequence change replaces threonine with methionine at codon 999 of the NPHS1 protein (p.Thr999Met). The threonine residue is highly conserved and there is a moderate physicochemical difference between threonine and methionine. This variant is present in population databases (rs767424724, ExAC 0.03%). This variant has not been reported in the literature in individuals affected with NPHS1-related conditions. Algorithms developed to predict the effect of missense changes on protein structure and function are either unavailable or do not agree on the potential impact of this missense change (SIFT: "Deleterious"; PolyPhen-2: "Probably Damaging"; Align-GVGD: "Class C15"). In summary, the available evidence is currently insufficient to determine the role of this variant in disease. Therefore, it has been classified as a Variant of Uncertain Significance.